The following is an entry in ClinVar:

NM_139027.6(ADAMTS13):c.2920_2938del (p.Ile974fs)

Gene: ADAMTS13 (ADAM metallopeptidase with thrombospondin type 1 motif 13; plus strand). Cytogenetic location: 9q34.2.
Variant type: Deletion.
Coding change: c.2920_2938del on transcript NM_139027.6 (MANE Select); coding-DNA positions 2920 to 2938, 19 bases deleted (ATCCTGTATTGTGCCCGGG).
Protein change: p.Ile974fs; shifts the reading frame from isoleucine 974.
Molecular consequence: frameshift variant. On other transcripts: non-coding transcript variant (1).
Genome position (GRCh38, 1-based): chr9:133,449,841-133,449,859, ATCCTGTATTGTGCCCGGG deleted; deleting any 19 consecutive bases within chr9:133,449,839-133,449,859 gives the same sequence; the c. name uses the placement nearest the transcript's 3' end. VCF-style (leftmost placement, unchanged base first): chr9-133449838-AGGATCCTGTATTGTGCCCG-A. GRCh37 (hg19) VCF-style: chr9-136314959-AGGATCCTGTATTGTGCCCG-A.
Other names: c.2920_2938del, p.Ile974fs (NM_139025.5); c.2827_2845del, p.Ile943fs (NM_139026.6); c.2920_2938del19 (NM_139025.5); short protein forms I943fs, I974fs.
Identifiers: ClinVar variation 2004982 (VCV002004982.5), dbSNP rs2491349636, ClinGen allele CA2580079979.

ClinVar aggregate classification (germline): Pathogenic. Review status: criteria provided, multiple submitters, no conflicts (2 of 4 stars). 2 submissions from 2 submitters: Pathogenic (2). Last evaluated 2024-06-26.

Conditions:
Thrombotic thrombocytopenic purpura. Also called: Moschowitz syndrome; Moschkowitz Disease. Identifiers: Orphanet 54057, MedGen C0034155, MONDO:0018896.

Submissions (2):

Women's Health and Genetics/Laboratory Corporation of America, LabCorp
Classification: Pathogenic for Thrombotic thrombocytopenic purpura. Last evaluated: 2024-06-26. Review status: criteria provided, single submitter. Criteria: LabCorp Variant Classification Summary - May 2015. Collection method: clinical testing. Allele origin: germline.
Comment: Variant summary: ADAMTS13 c.2920_2938del19 (p.Ile974ProfsX141) results in a premature termination codon, predicted to cause a truncation of the encoded protein or absence of the protein due to nonsense mediated decay, which are commonly known mechanisms for disease. The variant was absent in 250676 control chromosomes. To our knowledge, no occurrence of c.2920_2938del19 in individuals affected with Thrombotic Thrombocytopenic Purpura and no experimental evidence demonstrating its impact on protein function have been reported. ClinVar contains an entry for this variant (Variation ID: 2004982). Based on the evidence outlined above, the variant was classified as pathogenic.

Labcorp Genetics (formerly Invitae), Labcorp
Classification: Pathogenic. Last evaluated: 2022-06-12. Review status: criteria provided, single submitter. Criteria: Invitae Variant Classification Sherloc (09022015). Collection method: clinical testing. Allele origin: germline.
Comment: This variant is not present in population databases (gnomAD no frequency). This sequence change creates a premature translational stop signal (p.Ile974Profs*141) in the ADAMTS13 gene. It is expected to result in an absent or disrupted protein product. Loss-of-function variants in ADAMTS13 are known to be pathogenic (PMID: 11586351, 12753286, 21781265). This variant has not been reported in the literature in individuals affected with ADAMTS13-related conditions. For these reasons, this variant has been classified as Pathogenic.

Literature cited by the submitters: PubMed 11586351 (cited by Labcorp Genetics (formerly Invitae), Labcorp); PubMed 12753286 (cited by Labcorp Genetics (formerly Invitae), Labcorp); PubMed 21781265 (cited by Labcorp Genetics (formerly Invitae), Labcorp).